The following is an entry in ClinVar:

NM_000098.3(CPT2):c.1811C>T (p.Pro604Leu)

Gene: CPT2 (carnitine palmitoyltransferase 2; plus strand). Cytogenetic location: 1p32.3.
Variant type: single nucleotide variant.
Coding change: c.1811C>T on transcript NM_000098.3 (MANE Select); coding-DNA position 1811, C replaced by T.
Protein change: p.Pro604Leu; replaces proline 604 with leucine.
Molecular consequence: missense variant.
Genome position (GRCh38, 1-based): chr1:53,213,429, C>T. VCF-style: chr1-53213429-C-T. GRCh37 (hg19) VCF-style: chr1-53679101-C-T.
Other names: c.1742C>T, p.Pro581Leu (NM_001330589.2); short protein forms P581L, P604L.
Identifiers: ClinVar variation 4845614 (VCV004845614.1).

ClinVar aggregate classification (germline): Uncertain significance (1 of 4 stars; one submission).

gnomAD v4.1: 8 of 1,614,124 alleles (0.0005%); highest among the groups gnomAD compares: African/African-American, 0.008%; no homozygotes.

Submission:

Greenwood Genetic Center Diagnostic Laboratories, Greenwood Genetic Center
Classification: Uncertain significance. Last evaluated: 2025-10-29. Review status: criteria provided, single submitter. Criteria: ACMG Guidelines, 2015. Collection method: clinical testing. Allele origin: germline. Affected: yes.
Comment: PM2, PP3